The following is an entry in ClinVar:

ClinVar aggregate classification (germline): Likely benign. Review status: criteria provided, multiple submitters, no conflicts (2 of 4 stars). 5 submissions from 5 submitters: Likely benign (4). 1 of the submissions does not count toward it. Last evaluated 2025-07-29.

Conditions:
Wilson disease (WND). Also called: Wilson's disease. Identifiers: Orphanet 905, MedGen C0019202, MONDO:0010200, OMIM 277900. Disease mechanism: loss of function.

Allele frequency attached by ClinVar (database versions not stated): gnomAD 0.00001; gnomAD exomes 0.00001 and 0.00002; TOPMed 0.00001; ExAC 0.00002.

Submissions (5):

Labcorp Genetics (formerly Invitae), Labcorp
Classification: Likely benign for Wilson disease. Last evaluated: 2025-07-29. Review status: criteria provided, single submitter. Criteria: Invitae Variant Classification Sherloc (09022015). Collection method: clinical testing. Allele origin: germline.

All of Us Research Program, National Institutes of Health
Classification: Likely benign for Wilson disease. Last evaluated: 2023-12-01. Review status: criteria provided, single submitter. Criteria: ACMG Guidelines, 2015. Collection method: clinical testing. Allele origin: germline. Inheritance: Autosomal recessive inheritance. Observed: 1 variant allele, 1 heterozygote.
Comment: This study involves interpretation of variants in research participants for the purpose of population health screening. Participant phenotype was not available at the time of variant classification. Additional details can be found in publication PMID: 35346344, PMCID: PMC8962531

Color Diagnostics, LLC DBA Color Health
Classification: Likely benign for Wilson disease. Last evaluated: 2022-04-22. Review status: criteria provided, single submitter. Criteria: ACMG Guidelines, 2015. Collection method: clinical testing. Allele origin: germline.

Fulgent Genetics
Classification: Likely benign for Wilson disease. Last evaluated: 2022-03-18. Review status: criteria provided, single submitter. Criteria: ACMG Guidelines, 2015. Collection method: clinical testing. Allele origin: unknown.

Natera, Inc.
Classification: Likely benign for Wilson disease. Last evaluated: 2020-09-16. Review status: no assertion criteria provided. Collection method: clinical testing. Allele origin: germline. Not counted in ClinVar's aggregate classification.

NM_000053.4(ATP7B):c.2490C>T (p.Ile830=)

Gene: ATP7B (ATPase copper transporting beta; minus strand). Cytogenetic location: 13q14.3.
Variant type: single nucleotide variant.
Coding change: c.2490C>T on transcript NM_000053.4 (MANE Select); coding-DNA position 2490, C replaced by T.
Protein change: p.Ile830=; no amino-acid change (isoleucine 830 retained).
Molecular consequence: synonymous variant.
Genome position (GRCh38, 1-based): chr13:51,950,357, G>A on the plus strand (C>T on the coding strand, the complement: ATP7B is on the minus strand). VCF-style: chr13-51950357-G-A. GRCh37 (hg19) VCF-style: chr13-52524493-G-A.
Other names: c.2004C>T, p.Ile668= (NM_001005918.3); c.2157C>T, p.Ile719= (NM_001243182.2); c.2256C>T, p.Ile752= (NM_001330578.2); c.2238C>T, p.Ile746= (NM_001330579.2).
Identifiers: ClinVar variation 794972 (VCV000794972.12), dbSNP rs759213674, ClinGen allele CA6988990.